The following is an entry in ClinVar:

ClinVar aggregate classification (germline): Pathogenic (1 of 4 stars; one submission).

Conditions:
Duchenne muscular dystrophy (DMD). Also called: Duchenne Muscular Dystrophy (DMD); MUSCULAR DYSTROPHY, PSEUDOHYPERTROPHIC PROGRESSIVE, DUCHENNE TYPE. Identifiers: Orphanet 98896, MedGen C0013264, MONDO:0010679, OMIM 310200.

Submission:

Labcorp Genetics (formerly Invitae), Labcorp
Classification: Pathogenic for Duchenne muscular dystrophy. Last evaluated: 2021-08-12. Review status: criteria provided, single submitter. Criteria: Invitae Variant Classification Sherloc (09022015). Collection method: clinical testing. Allele origin: germline.
Comment: This variant is a gross deletion of the genomic region encompassing exon(s) 3-23 of the DMD gene. This variant would be expected to be in-frame, preserving the integrity of the reading frame. A similar copy number variant has been observed in individuals with Duchenne or Becker muscular dystrophy (PMID: 24928015, 27206868). The region of the DMD gene that includes exon(s) 3-12 has been determined to be clinically significant (PMID: 19937601, 25482253; Invitae). Therefore, deletions that encompass that region are likely to be disease-causing. For these reasons, this variant has been classified as Pathogenic.

Literature cited by the submitters: PubMed 24928015; PubMed 27206868; PubMed 19937601; PubMed 25482253.

NC_000023.11:g.(?_32468488)_(32849830_?)del

Gene: DMD (dystrophin; minus strand). Cytogenetic location: Xp21.1.
Variant type: Deletion.
Identifiers: ClinVar variation 831022 (VCV000831022.7).